The following is an entry in ClinVar:

ClinVar aggregate classification (germline): Uncertain significance (1 of 4 stars; one submission).

Submission:

Labcorp Genetics (formerly Invitae), Labcorp
Classification: Uncertain significance. Last evaluated: 2022-05-12. Review status: criteria provided, single submitter. Criteria: Invitae Variant Classification Sherloc (09022015). Collection method: clinical testing. Allele origin: germline.
Comment: In summary, the available evidence is currently insufficient to determine the role of this variant in disease. Therefore, it has been classified as a Variant of Uncertain Significance. Algorithms developed to predict the effect of sequence changes on RNA splicing suggest that this variant may disrupt the consensus splice site. Algorithms developed to predict the effect of missense changes on protein structure and function output the following: SIFT: "Tolerated"; PolyPhen-2: "Benign"; Align-GVGD: "Class C0". The lysine amino acid residue is found in multiple mammalian species, which suggests that this missense change does not adversely affect protein function. This variant has not been reported in the literature in individuals affected with SLC34A3-related conditions. This variant is not present in population databases (gnomAD no frequency). This sequence change replaces arginine, which is basic and polar, with lysine, which is basic and polar, at codon 65 of the SLC34A3 protein (p.Arg65Lys).

NM_001177316.2(SLC34A3):c.194G>A (p.Arg65Lys)

Gene: SLC34A3 (solute carrier family 34 member 3; plus strand). Cytogenetic location: 9q34.3.
Variant type: single nucleotide variant.
Coding change: c.194G>A on transcript NM_001177316.2 (MANE Select); coding-DNA position 194, G replaced by A.
Protein change: p.Arg65Lys; replaces arginine 65 with lysine.
Molecular consequence: missense variant.
Genome position (GRCh38, 1-based): chr9:137,232,593, G>A. VCF-style: chr9-137232593-G-A. GRCh37 (hg19) VCF-style: chr9-140127045-G-A.
Other names: c.194G>A, p.Arg65Lys (NM_001177317.2, NM_080877.3); short protein forms R65K.
Identifiers: ClinVar variation 1993698 (VCV001993698.4), dbSNP rs2538800603, ClinGen allele CA375726671.